The following is an entry in ClinVar:

NM_017802.4(DNAAF5):c.1005A>C (p.Pro335=)

Gene: DNAAF5 (dynein axonemal assembly factor 5; plus strand). Cytogenetic location: 7p22.3.
Variant type: single nucleotide variant.
Coding change: c.1005A>C on transcript NM_017802.4 (MANE Select); coding-DNA position 1005, A replaced by C.
Protein change: p.Pro335=; no amino-acid change (proline 335 retained).
Molecular consequence: synonymous variant. On other transcripts: non-coding transcript variant (1).
Genome position (GRCh38, 1-based): chr7:741,446, A>C. VCF-style: chr7-741446-A-C. GRCh37 (hg19) VCF-style: chr7-781083-A-C.
Identifiers: ClinVar variation 3042829 (VCV003042829.3), dbSNP rs1164717028, ClinGen allele CA453373815.

ClinVar aggregate classification (germline): Likely benign. Review status: criteria provided, single submitter (1 of 4 stars). 2 submissions from 2 submitters: Likely benign (1). 1 of the submissions does not count toward it. Last evaluated 2025-01-10.

Conditions:
DNAAF5-related disorder. Also called: DNAAF5-related condition.
Primary ciliary dyskinesia. Also called: Ciliary dyskinesia. Identifiers: Orphanet 244, MedGen C0008780, MONDO:0016575, HP:0012265.

Submissions (2):

Ambry Genetics
Classification: Likely benign for Primary ciliary dyskinesia. Last evaluated: 2025-01-10. Review status: criteria provided, single submitter. Criteria: Ambry Variant Classification Scheme 2023. Collection method: clinical testing. Allele origin: germline.

PreventionGenetics, part of Exact Sciences
Classification: Likely benign for DNAAF5-related condition. Last evaluated: 2023-11-07. Review status: no assertion criteria provided. Collection method: clinical testing. Allele origin: germline. Not counted in ClinVar's aggregate classification.
Comment: This variant is classified as likely benign based on ACMG/AMP sequence variant interpretation guidelines (Richards et al. 2015 PMID: 25741868, with internal and published modifications).